The following is an entry in ClinVar:

NM_001197104.2(KMT2A):c.11864G>A (p.Ser3955Asn)

Genes: KMT2A (lysine methyltransferase 2A; plus strand), TTC36-AS1 (TTC36 and KMT2A antisense RNA 1; minus strand). Cytogenetic location: 11q23.3.
Variant type: single nucleotide variant.
Coding change: c.11864G>A on transcript NM_001197104.2 (MANE Select); coding-DNA position 11864, G replaced by A.
Protein change: p.Ser3955Asn; replaces serine 3955 with asparagine.
Molecular consequence: missense variant.
Genome position (GRCh38, 1-based): chr11:118,522,117, G>A. VCF-style: chr11-118522117-G-A. GRCh37 (hg19) VCF-style: chr11-118392832-G-A.
Other names: c.11954G>A, p.Ser3985Asn (NM_001412597.1); c.11855G>A, p.Ser3952Asn (NM_005933.4); short protein forms S3952N, S3955N, S3985N.
Identifiers: ClinVar variation 3618076 (VCV003618076.2).

ClinVar aggregate classification (germline): Uncertain significance (1 of 4 stars; one submission).

Submission:

Labcorp Genetics (formerly Invitae), Labcorp
Classification: Uncertain significance. Last evaluated: 2025-01-19. Review status: criteria provided, single submitter. Criteria: Invitae Variant Classification Sherloc (09022015). Collection method: clinical testing. Allele origin: germline.
Comment: This sequence change replaces serine, which is neutral and polar, with asparagine, which is neutral and polar, at codon 3955 of the KMT2A protein (p.Ser3955Asn). This variant is present in population databases (rs782721532, gnomAD 0.006%). This variant has not been reported in the literature in individuals affected with KMT2A-related conditions. Invitae Evidence Modeling of protein sequence and biophysical properties (such as structural, functional, and spatial information, amino acid conservation, physicochemical variation, residue mobility, and thermodynamic stability) indicates that this missense variant is not expected to disrupt KMT2A protein function with a negative predictive value of 95%. In summary, the available evidence is currently insufficient to determine the role of this variant in disease. Therefore, it has been classified as a Variant of Uncertain Significance.